The following is an entry in ClinVar:

ClinVar aggregate classification (germline): Uncertain significance. Review status: criteria provided, multiple submitters, no conflicts (2 of 4 stars). 5 submissions from 5 submitters: Uncertain significance (5). Last evaluated 2025-07-03.

Conditions:
LRSAM1-related disorder. Also called: LRSAM1-related condition.
Inborn genetic diseases. Identifiers: MedGen C0950123, MeSH D030342.
Charcot-Marie-Tooth disease axonal type 2P. Also called: CHARCOT-MARIE-TOOTH NEUROPATHY, TYPE 2P; Charcot-Marie-Tooth Neuropathy Type 2G; CHARCOT-MARIE-TOOTH DISEASE, AXONAL, TYPE 2G; CMT 2G. Identifiers: Orphanet 300319, Orphanet 99941, MedGen C3280797, MONDO:0013753, OMIM 614436.

Allele frequency attached by ClinVar (database versions not stated): gnomAD exomes 0.00002 and 0.00003; gnomAD 0.00004; ExAC 0.00005; ESP Exome Variant Server 0.00008; TOPMed 0.00009.
gnomAD v4.1: 36 of 1,611,702 alleles (0.0022%); highest among the groups gnomAD compares: Middle Eastern, 0.017%; no homozygotes.

Submissions (5):

PreventionGenetics, part of Exact Sciences
Classification: Uncertain significance for LRSAM1-related condition. Last evaluated: 2025-07-03. Review status: criteria provided, single submitter. Criteria: ACMG Guidelines, 2015. Collection method: clinical testing. Allele origin: germline.
Comment: The LRSAM1 c.962G>A variant is predicted to result in the amino acid substitution p.Arg321Gln. To our knowledge, this variant has not been reported in the literature. This variant is reported in 0.020% of alleles in individuals of African descent in gnomAD. At this time, the clinical significance of this variant is uncertain due to the absence of conclusive functional and genetic evidence.

Blueprint Genetics
Classification: Uncertain significance. Last evaluated: 2024-06-14. Review status: criteria provided, single submitter. Criteria: ACMG Guidelines, 2015. Collection method: clinical testing. Allele origin: germline.

Labcorp Genetics (formerly Invitae), Labcorp
Classification: Uncertain significance for Charcot-Marie-Tooth disease axonal type 2P. Last evaluated: 2024-02-25. Review status: criteria provided, single submitter. Criteria: Invitae Variant Classification Sherloc (09022015). Collection method: clinical testing. Allele origin: germline.
Comment: This sequence change replaces arginine, which is basic and polar, with glutamine, which is neutral and polar, at codon 321 of the LRSAM1 protein (p.Arg321Gln). This variant is present in population databases (rs145881988, gnomAD 0.01%). This variant has not been reported in the literature in individuals affected with LRSAM1-related conditions. ClinVar contains an entry for this variant (Variation ID: 408265). Advanced modeling of protein sequence and biophysical properties (such as structural, functional, and spatial information, amino acid conservation, physicochemical variation, residue mobility, and thermodynamic stability) has been performed at Invitae for this missense variant, however the output from this modeling did not meet the statistical confidence thresholds required to predict the impact of this variant on LRSAM1 protein function. In summary, the available evidence is currently insufficient to determine the role of this variant in disease. Therefore, it has been classified as a Variant of Uncertain Significance.

Ambry Genetics
Classification: Uncertain significance for Inborn genetic diseases. Last evaluated: 2022-08-16. Review status: criteria provided, single submitter. Criteria: Ambry Variant Classification Scheme 2023. Collection method: clinical testing. Allele origin: germline.
Comment: The p.R321Q variant (also known as c.962G>A), located in coding exon 12 of the LRSAM1 gene, results from a G to A substitution at nucleotide position 962. The arginine at codon 321 is replaced by glutamine, an amino acid with highly similar properties. This amino acid position is highly conserved in available vertebrate species. In addition, the in silico prediction for this alteration is inconclusive. Based on the supporting evidence, this variant is unlikely to be causative of autosomal dominant Charcot-Marie-Tooth disease, type 2P (CMT2P); however, its contribution to the development of autosomal recessive CMT2P is uncertain.

Breakthrough Genomics
Classification: Uncertain significance. Review status: criteria provided, single submitter. Criteria: ACMG Guidelines, 2015. Collection method: not provided. Allele origin: germline. Inheritance: Autosomal recessive inheritance. Affected: yes.

NM_001005373.4(LRSAM1):c.962G>A (p.Arg321Gln)

Gene: LRSAM1 (leucine rich repeat and sterile alpha motif containing 1; plus strand). Cytogenetic location: 9q33.3.
Variant type: single nucleotide variant.
Coding change: c.962G>A on transcript NM_001005373.4 (MANE Select); coding-DNA position 962, G replaced by A.
Protein change: p.Arg321Gln; replaces arginine 321 with glutamine.
Molecular consequence: missense variant. On other transcripts: non-coding transcript variant (2).
Genome position (GRCh38, 1-based): chr9:127,479,897, G>A. VCF-style: chr9-127479897-G-A. GRCh37 (hg19) VCF-style: chr9-130242176-G-A.
Other names: c.962G>A, p.Arg321Gln (NM_001005374.4, NM_001190723.3, NM_001384142.1 and 2 more transcripts); c.173G>A, p.Arg58Gln (NM_001384144.1); c.962G>A (NM_138361.4); short protein forms R321Q, R58Q.
Identifiers: ClinVar variation 408265 (VCV000408265.15), dbSNP rs145881988, ClinGen allele CA5246772.
Genomic context (GRCh38, chr9:127,479,897, plus strand): 5'-AGGAGCAGTCCCGGCTGGAGCAGGGCCTGAGTGAGCACCAGCGCCACCTCAACGCAGAGC[G>A]GCAGCGGCTGCAGGAGCAGCTGAAGCAGACGGAACAGAACATTTCCAGCCGGATCCAGAA-3'
Protein context (NP_001005373.1, residues 311-331): SEHQRHLNAE[Arg321Gln]QRLQEQLKQT